The following is an entry in ClinVar:

ClinVar aggregate classification (germline): Uncertain significance (1 of 4 stars; one submission).

Conditions:
KIAA1549-related disorder. Also called: KIAA1549-related condition.

Allele frequency attached by ClinVar (database versions not stated): ExAC 0.00001; gnomAD 0.00001; TOPMed 0.00001; ESP Exome Variant Server 0.00008.
gnomAD v4.1: 26 of 1,613,500 alleles (0.0016%); highest among the groups gnomAD compares: Non-Finnish European, 0.0022%; no homozygotes.

Submission:

PreventionGenetics, part of Exact Sciences
Classification: Uncertain significance for KIAA1549-related condition. Last evaluated: 2023-07-11. Review status: criteria provided, single submitter. Criteria: ACMG Guidelines, 2015. Collection method: clinical testing. Allele origin: germline.
Comment: The KIAA1549 c.3361G>C variant is predicted to result in the amino acid substitution p.Gly1121Arg. To our knowledge, this variant has not been reported in the literature or in a large population database, indicating this variant is rare. At this time, the clinical significance of this variant is uncertain due to the absence of conclusive functional and genetic evidence.

NM_001164665.2(KIAA1549):c.3361G>C (p.Gly1121Arg)

Gene: KIAA1549 (KIAA1549; minus strand). Cytogenetic location: 7q34.
Variant type: single nucleotide variant.
Coding change: c.3361G>C on transcript NM_001164665.2 (MANE Select); coding-DNA position 3361, G replaced by C.
Protein change: p.Gly1121Arg; replaces glycine 1121 with arginine.
Molecular consequence: missense variant.
Genome position (GRCh38, 1-based): chr7:138,907,018, C>G on the plus strand (G>C on the coding strand, the complement: KIAA1549 is on the minus strand). VCF-style: chr7-138907018-C-G. GRCh37 (hg19) VCF-style: chr7-138591764-C-G.
Other names: c.3361G>C, p.Gly1121Arg (NM_020910.3); short protein forms G1121R.
Identifiers: ClinVar variation 2628696 (VCV002628696.1), dbSNP rs372791474, ClinGen allele CA4506233.